The following is an entry in ClinVar:

NM_019098.5(CNGB3):c.1197T>G (p.Tyr399Ter)

Gene: CNGB3 (cyclic nucleotide gated channel subunit beta 3; minus strand). Cytogenetic location: 8q21.3.
Variant type: single nucleotide variant.
Coding change: c.1197T>G on transcript NM_019098.5 (MANE Select); coding-DNA position 1197, T replaced by G.
Protein change: p.Tyr399Ter; replaces tyrosine 399 with a stop codon.
Molecular consequence: nonsense.
Genome position (GRCh38, 1-based): chr8:86,632,875, A>C on the plus strand (T>G on the coding strand, the complement: CNGB3 is on the minus strand). VCF-style: chr8-86632875-A-C. GRCh37 (hg19) VCF-style: chr8-87645103-A-C.
Other names: short protein forms Y399*.
Identifiers: ClinVar variation 866824 (VCV000866824.7), dbSNP rs1822989898, ClinGen allele CA371444496.
Genomic context (GRCh38, chr8:86,632,875, plus strand): 5'-TTCAAATAAAGTTTGTGGTTCTGGAAGGCCACCAATGGTAATTAAAGTTCGAACTGCCCA[A>C]TAATAACATCTCAGATACCTGTGAAAACAGAAGATATACATTTTGCTTTTTTTCTATATC-3'

ClinVar aggregate classification (germline): Pathogenic/Likely pathogenic. Review status: criteria provided, multiple submitters, no conflicts (2 of 4 stars). 2 submissions from 2 submitters: Pathogenic (1); Likely pathogenic (1). Last evaluated 2023-06-14.

Conditions:
CNGB3-related disorder. Also called: CNGB3-related condition; CNGB3-related disorders. Identifiers: MedGen CN239340.

Allele frequency attached by ClinVar (database versions not stated): gnomAD exomes below 0.00001.
gnomAD v4.1: 1 of 1,612,536 alleles (0.000062%); highest among the groups gnomAD compares: Non-Finnish European, 0.000085%; no homozygotes.

Submissions (2):

Labcorp Genetics (formerly Invitae), Labcorp
Classification: Pathogenic. Last evaluated: 2023-06-14. Review status: criteria provided, single submitter. Criteria: Invitae Variant Classification Sherloc (09022015). Collection method: clinical testing. Allele origin: germline.
Comment: ClinVar contains an entry for this variant (Variation ID: 866824). This variant has not been reported in the literature in individuals affected with CNGB3-related conditions. This variant is not present in population databases (gnomAD no frequency). This sequence change creates a premature translational stop signal (p.Tyr399*) in the CNGB3 gene. It is expected to result in an absent or disrupted protein product. Loss-of-function variants in CNGB3 are known to be pathogenic (PMID: 28795510). For these reasons, this variant has been classified as Pathogenic.

Blueprint Genetics
Classification: Likely pathogenic for CNGB3-related disorders. Last evaluated: 2018-09-18. Review status: criteria provided, single submitter. Criteria: ACMG Guidelines, 2015. Collection method: clinical testing. Allele origin: germline. Affected: yes. Observed: 1 variant allele.

Literature cited by the submitters: PubMed 28795510 (cited by Labcorp Genetics (formerly Invitae), Labcorp).